The following is an entry in ClinVar:

NM_000256.3(MYBPC3):c.104G>C (p.Arg35Pro)

Gene: MYBPC3 (myosin binding protein C3; minus strand). Cytogenetic location: 11p11.2.
Variant type: single nucleotide variant.
Coding change: c.104G>C on transcript NM_000256.3 (MANE Select); coding-DNA position 104, G replaced by C.
Protein change: p.Arg35Pro; replaces arginine 35 with proline.
Molecular consequence: missense variant.
Genome position (GRCh38, 1-based): chr11:47,351,427, C>G on the plus strand (G>C on the coding strand, the complement: MYBPC3 is on the minus strand). VCF-style: chr11-47351427-C-G. GRCh37 (hg19) VCF-style: chr11-47372978-C-G.
Other names: short protein forms R35P.
Identifiers: ClinVar variation 5000781 (VCV005000781.1).
Genomic context (GRCh38, chr11:47,351,427, plus strand): 5'-TACTTGTTGCTGGCGCTGATGTCACTGCCTCCGCGCTGCCAGCGCACCTTCACTCCTGCC[C>G]GCTCTGTCTCGGCCTCGAACACGGCAGGGCTGCCTGCGGCCACTTCCACTGACCGTGGCT-3'
Protein context (NP_000247.2, residues 25-45): SPAVFEAETE[Arg35Pro]AGVKVRWQRG

ClinVar aggregate classification (germline): Uncertain significance (1 of 4 stars; one submission).

Conditions:
MYBPC3-related disorder. Also called: MYBPC3-related disorders; MYBPC3-related condition; MYBPC3-related disease.

Submission:

PreventionGenetics, part of Exact Sciences
Classification: Uncertain significance for MYBPC3-related condition. Last evaluated: 2025-02-22. Review status: criteria provided, single submitter. Criteria: ACMG Guidelines, 2015. Collection method: clinical testing. Allele origin: germline.
Comment: The MYBPC3 c.104G>C variant is predicted to result in the amino acid substitution p.Arg35Pro. To our knowledge, this variant has not been reported in the literature or in a large population database (gnomAD), indicating this variant is rare. Alternate substitutions of this amino acid (p.Arg35Trp and p.Arg35Gln) have been reported in individuals with hypertrophic cardiomyopathy (see example: Supplemental material, Ho et al. 2009. PubMed ID: 20031602; Berge et al. 2014. PubMed ID: 24111713). At this time, the clinical significance of this variant is uncertain due to the absence of conclusive functional and genetic evidence.